The following is an entry in ClinVar:

ClinVar aggregate classification (germline): Uncertain significance. Review status: criteria provided, multiple submitters, no conflicts (2 of 4 stars). 2 submissions from 2 submitters: Uncertain significance (2). Last evaluated 2022-11-08.

Allele frequency attached by ClinVar (database versions not stated): ExAC 0.00001; gnomAD 0.00002; TOPMed 0.00002.

Submissions (2):

Labcorp Genetics (formerly Invitae), Labcorp
Classification: Uncertain significance. Last evaluated: 2022-11-08. Review status: criteria provided, single submitter. Criteria: Invitae Variant Classification Sherloc (09022015). Collection method: clinical testing. Allele origin: germline.
Comment: In summary, the available evidence is currently insufficient to determine the role of this variant in disease. Therefore, it has been classified as a Variant of Uncertain Significance. Advanced modeling of protein sequence and biophysical properties (such as structural, functional, and spatial information, amino acid conservation, physicochemical variation, residue mobility, and thermodynamic stability) has been performed at Invitae for this missense variant, however the output from this modeling did not meet the statistical confidence thresholds required to predict the impact of this variant on MCM5 protein function. This variant has not been reported in the literature in individuals affected with MCM5-related conditions. This variant is present in population databases (rs762076146, gnomAD 0.003%). This sequence change replaces proline, which is neutral and non-polar, with serine, which is neutral and polar, at codon 341 of the MCM5 protein (p.Pro341Ser).

Ambry Genetics
Classification: Uncertain significance. Last evaluated: 2022-08-17. Review status: criteria provided, single submitter. Criteria: Ambry Variant Classification Scheme 2023. Collection method: clinical testing. Allele origin: germline.

NM_006739.4(MCM5):c.1021C>T (p.Pro341Ser)

Gene: MCM5 (minichromosome maintenance complex component 5; plus strand). Cytogenetic location: 22q12.3.
Variant type: single nucleotide variant.
Coding change: c.1021C>T on transcript NM_006739.4 (MANE Select); coding-DNA position 1021, C replaced by T.
Protein change: p.Pro341Ser; replaces proline 341 with serine.
Molecular consequence: missense variant.
Genome position (GRCh38, 1-based): chr22:35,412,611, C>T. VCF-style: chr22-35412611-C-T. GRCh37 (hg19) VCF-style: chr22-35808604-C-T.
Other names: short protein forms P341S.
Identifiers: ClinVar variation 2395104 (VCV002395104.5), dbSNP rs762076146, ClinGen allele CA10205240.